The following is an entry in ClinVar:

ClinVar aggregate classification (germline): Likely benign (1 of 4 stars; one submission).

gnomAD v4.1: 29 of 1,612,128 alleles (0.0018%); highest among the groups gnomAD compares: Middle Eastern, 0.016%; no homozygotes.

Submission:

CeGaT Center for Human Genetics Tuebingen
Classification: Likely benign. Last evaluated: 2026-09-01. Review status: criteria provided, single submitter. Criteria: CeGaT Center For Human Genetics Tuebingen Variant Classification Criteria Version 2. Collection method: clinical testing. Allele origin: germline. Affected: yes. Observed: 1 variant allele.
Comment: CHD3: BP4

NM_001005273.3(CHD3):c.*46G>A

Gene: CHD3 (chromodomain helicase DNA binding protein 3; plus strand). Cytogenetic location: 17p13.1.
Variant type: single nucleotide variant.
Coding change: c.*46G>A on transcript NM_001005273.3 (MANE Select); 46 bases downstream of the stop codon, G replaced by A.
Molecular consequence: 3 prime UTR variant. On other transcripts: missense variant (1).
Genome position (GRCh38, 1-based): chr17:7,911,631, G>A. VCF-style: chr17-7911631-G-A. GRCh37 (hg19) VCF-style: chr17-7814949-G-A.
Other names: c.*46G>A (NM_001005271.3, NM_001437507.1, NM_001437508.1 and 2 more transcripts); c.6272G>A, p.Arg2091Gln (NM_001437504.1); short protein forms R2091Q.
Identifiers: ClinVar variation 5041089 (VCV005041089.1).
Genomic context (GRCh38, chr17:7,911,631, plus strand): 5'-TGTATAGACGACTGACTGGATCCCAGGCCTGCCCTTCACCCAGGCCCCGTCCCCGAGGCC[G>A]ACCCCCAGCTCAAGCGCTGGGGCCTGCTGCCAGCCCTCCACCTTCCCCACCCCTTGGGCC-3'